The following is an entry in ClinVar:

NM_001614.5(ACTG1):c.-47A>G

Gene: ACTG1 (actin gamma 1; minus strand). Cytogenetic location: 17q25.3.
Variant type: single nucleotide variant.
Coding change: c.-47A>G on transcript NM_001614.5 (MANE Select); 47 bases upstream of the start codon, A replaced by G.
Molecular consequence: 5 prime UTR variant. On other transcripts: non-coding transcript variant (1).
Genome position (GRCh38, 1-based): chr17:81,512,774, T>C on the plus strand (A>G on the coding strand, the complement: ACTG1 is on the minus strand). VCF-style: chr17-81512774-T-C. GRCh37 (hg19) VCF-style: chr17-79479800-T-C.
Other names: c.-166A>G (NM_001199954.3).
Identifiers: ClinVar variation 506422 (VCV000506422.1), dbSNP rs782107098, ClinGen allele CA8836509.

ClinVar aggregate classification (germline): Benign (1 of 4 stars; one submission).

Allele frequency attached by ClinVar (database versions not stated): TOPMed 0.00141; 1000 Genomes Project 30x 0.00250.
gnomAD v4.1: 280 of 415,048 alleles (0.067%); highest among the groups gnomAD compares: East Asian, 1.1%; no homozygotes.

Submission:

GeneDx
Classification: Benign. Last evaluated: 2018-01-17. Review status: criteria provided, single submitter. Criteria: GeneDx Variant Classification (06012015). Collection method: clinical testing. Allele origin: germline. Affected: yes.
Comment: This variant is considered likely benign or benign based on one or more of the following criteria: it is a conservative change, it occurs at a poorly conserved position in the protein, it is predicted to be benign by multiple in silico algorithms, and/or has population frequency not consistent with disease.